The following is an entry in ClinVar:

NM_001540.5(HSPB1):c.1A>C (p.Met1Leu)

Gene: HSPB1 (heat shock protein family B (small) member 1; plus strand). Cytogenetic location: 7q11.23.
Variant type: single nucleotide variant.
Coding change: c.1A>C on transcript NM_001540.5 (MANE Select); coding-DNA position 1, A replaced by C.
Protein change: p.Met1Leu; changes the start codon (methionine 1).
Molecular consequence: missense variant, initiator codon variant.
Genome position (GRCh38, 1-based): chr7:76,302,713, A>C. VCF-style: chr7-76302713-A-C. GRCh37 (hg19) VCF-style: chr7-75932030-A-C.
Other names: short protein forms M1L.
Identifiers: ClinVar variation 935489 (VCV000935489.10), dbSNP rs200190722, ClinGen allele CA4306226.

ClinVar aggregate classification (germline): Uncertain significance (1 of 4 stars; one submission).

Conditions:
Charcot-Marie-Tooth disease axonal type 2F (CMT2F). Also called: Charcot-Marie-Tooth Neuropathy Type 2F; CHARCOT-MARIE-TOOTH DISEASE, NEURONAL, TYPE 2F. Identifiers: Orphanet 99940, MedGen C1847823, MONDO:0011687, OMIM 606595.

Allele frequency attached by ClinVar (database versions not stated): ExAC 0.00006; TOPMed 0.00014; ESP Exome Variant Server 0.00024.

Submission:

Labcorp Genetics (formerly Invitae), Labcorp
Classification: Uncertain significance for Charcot-Marie-Tooth disease axonal type 2F. Last evaluated: 2025-10-10. Review status: criteria provided, single submitter. Criteria: Invitae Variant Classification Sherloc (09022015). Collection method: clinical testing. Allele origin: germline.
Comment: This sequence change affects the initiator codon of the HSPB1 mRNA. This change may impact translation initiation or efficiency. The next in-frame methionine is located at codon 169. This variant is present in population databases (rs200190722, gnomAD 0.06%). This variant has not been reported in the literature in individuals affected with HSPB1-related conditions. ClinVar contains an entry for this variant (Variation ID: 935489). In summary, the available evidence is currently insufficient to determine the role of this variant in disease. Therefore, it has been classified as a Variant of Uncertain Significance.